The following is an entry in ClinVar:

ClinVar aggregate classification (germline): Pathogenic (1 of 4 stars; one submission).

Conditions:
Biotin-responsive basal ganglia disease (BTBGD). Also called: Thiamine metabolism dysfunction syndrome 2 (biotin- or thiamine-responsive encephalopathy type 2); thiamine-responsive encephalopathy; Thiamine metabolism dysfunction syndrome type 2; THIAMINE METABOLISM DYSFUNCTION SYNDROME 2 (BIOTIN- AND THIAMINE-RESPONSIVE TYPE); Thiamine Transporter-2 Deficiency. Identifiers: Orphanet 199348, Orphanet 65284, MedGen C1843807, MONDO:0011841, OMIM 607483.

Submission:

Labcorp Genetics (formerly Invitae), Labcorp
Classification: Pathogenic for Biotin-responsive basal ganglia disease. Last evaluated: 2021-06-14. Review status: criteria provided, single submitter. Criteria: Invitae Variant Classification Sherloc (09022015). Collection method: clinical testing. Allele origin: germline.
Comment: This sequence change creates a premature translational stop signal (p.Cys143Alafs*65) in the SLC19A3 gene. It is expected to result in an absent or disrupted protein product. Loss-of-function variants in SLC19A3 are known to be pathogenic (PMID: 23423671, 23482991). For these reasons, this variant has been classified as Pathogenic. This variant has not been reported in the literature in individuals with SLC19A3-related conditions. This variant is not present in population databases (ExAC no frequency).

Literature cited by the submitters: PubMed 23423671; PubMed 23482991.

NM_025243.4(SLC19A3):c.426del (p.Cys143fs)

Gene: SLC19A3 (solute carrier family 19 member 3; minus strand). Cytogenetic location: 2q36.3.
Variant type: Deletion.
Coding change: c.426del on transcript NM_025243.4 (MANE Select); coding-DNA position 426, one base deleted (C; older notation c.426delC).
Protein change: p.Cys143fs; shifts the reading frame from cysteine 143.
Molecular consequence: frameshift variant.
Genome position (GRCh38, 1-based): chr2:227,699,289, G deleted on the plus strand (C on the coding strand, the reverse complement: SLC19A3 is on the minus strand). VCF-style (leftmost placement, unchanged base first): chr2-227699288-AG-A. GRCh37 (hg19) VCF-style: chr2-228564004-AG-A.
Other names: c.426del, p.Cys143fs (NM_001371411.1, NM_001371412.1); c.414del, p.Cys139fs (NM_001371413.1, NM_001371414.1); short protein forms C139fs, C143fs.
Identifiers: ClinVar variation 1459929 (VCV001459929.6), dbSNP rs2106329218, ClinGen allele CA2573135494.